The following is an entry in ClinVar:

ClinVar aggregate classification (germline): Pathogenic/Likely pathogenic. Review status: criteria provided, multiple submitters, no conflicts (2 of 4 stars). 5 submissions from 5 submitters: Pathogenic (2); Likely pathogenic (3). Last evaluated 2025-09-01.

Conditions:
Arthrogryposis multiplex congenita 6. Identifiers: MedGen C5543431, MONDO:0030281, OMIM 619334.
Nemaline myopathy 2 (NEM2). Also called: Nemaline myopathy 2, autosomal recessive. Identifiers: MedGen C1850569, MONDO:0009725, OMIM 256030.
Nemaline myopathy. Also called: Myopathies, Nemaline. Identifiers: Orphanet 607, MedGen C0206157, MONDO:0018958.

Allele frequency attached by ClinVar (database versions not stated): ExAC 0.00001; gnomAD exomes below 0.00001.
gnomAD v4.1: 1 of 1,606,544 alleles (0.000062%); highest among the groups gnomAD compares: Admixed American, 0.0017%; no homozygotes.

Submissions (5):

Natera, Inc.
Classification: Likely pathogenic for Nemaline myopathy type 2. Last evaluated: 2025-09-01. Review status: criteria provided, single submitter. Criteria: Natera Variant Classification Schema (03/2026). Collection method: clinical testing. Allele origin: germline.
Comment: The c.5364G>A variant in NEB is a nonsense variant predicted to introduce a stop codon at amino acid 1788. This variant is expected to result in nonsense mediated decay, truncation, or a dysfunctional protein product. This variant is rare in the general population with a frequency below the threshold expected for the associated phenotype(s). Given the available evidence, this variant is classified as Likely Pathogenic.

Broad Center for Mendelian Genomics, Broad Institute of MIT and Harvard
Classification: Likely pathogenic for Nemaline myopathy. Last evaluated: 2025-03-18. Review status: criteria provided, single submitter. Criteria: ACMG Guidelines, 2015. Collection method: curation. Allele origin: germline. Inheritance: Autosomal recessive inheritance.
Comment: The p.Trp1788Ter variant in NEB has not been previously reported in the literature in individuals with nemaline myopathy, but has been identified in 0.002% (1/59170) of Latino/Admixed American chromosomes by the Genome Aggregation Database (gnomAD; dbSNP ID: rs201636991). Although this variant has been seen in the general population in a heterozygous state, its frequency is low enough to be consistent with a recessive carrier frequency. This variant has also been reported in ClinVar (Variation ID: 580393) and has been interpreted as pathogenic by Invitae. This nonsense variant leads to a premature termination codon at position 1788, which is predicted to lead to a truncated or absent protein. Loss of function of the NEB gene is an established disease mechanism in autosomal recessive nemaline myopathy. In summary, although additional studies are required to fully establish its clinical significance, this variant is likely pathogenic for autosomal recessive nemaline myopathy. ACMG/AMP Criteria applied: PVS1, PM2_supporting (Richards 2015).

Myriad Genetics, Inc.
Classification: Pathogenic for Nemaline myopathy 2. Last evaluated: 2024-05-08. Review status: criteria provided, single submitter. Criteria: Myriad Autosomal Dominant, Autosomal Recessive and X-Linked Classification Criteria (2023). Collection method: clinical testing. Allele origin: unknown.
Comment: NM_001271208.1(NEB):c.5364G>A(W1788*) is expected to be pathogenic in the context of NEB-related nemaline myopathy. This variant is predicted to lead to an abnormal or absent protein product due to the creation of a premature termination codon in NEB, a gene where loss-of-function variants are known to be pathogenic. Please note: this variant was assessed in the context of healthy population screening.

Baylor Genetics
Classification: Likely pathogenic for Arthrogryposis multiplex congenita 6. Last evaluated: 2023-05-29. Review status: criteria provided, single submitter. Criteria: ACMG Guidelines, 2015. Collection method: clinical testing. Allele origin: unknown.

Labcorp Genetics (formerly Invitae), Labcorp
Classification: Pathogenic for Nemaline myopathy 2. Last evaluated: 2021-06-26. Review status: criteria provided, single submitter. Criteria: Invitae Variant Classification Sherloc (09022015). Collection method: clinical testing. Allele origin: germline.
Comment: For these reasons, this variant has been classified as Pathogenic. Loss-of-function variants in NEB are known to be pathogenic (PMID: 25205138). This variant has not been reported in the literature in individuals with NEB-related conditions. ClinVar contains an entry for this variant (Variation ID: 580393). This variant is present in population databases (rs201636991, ExAC 0.02%). This sequence change creates a premature translational stop signal (p.Trp1788*) in the NEB gene. It is expected to result in an absent or disrupted protein product.

Literature cited by the submitters: PubMed 25205138 (cited by Labcorp Genetics (formerly Invitae), Labcorp).

NM_001164508.2(NEB):c.5364G>A (p.Trp1788Ter)

Gene: NEB (nebulin; minus strand). Cytogenetic location: 2q23.3.
Variant type: single nucleotide variant.
Coding change: c.5364G>A on transcript NM_001164508.2 (MANE Select); coding-DNA position 5364, G replaced by A.
Protein change: p.Trp1788Ter; replaces tryptophan 1788 with a stop codon.
Molecular consequence: nonsense.
Genome position (GRCh38, 1-based): chr2:151,664,588, C>T on the plus strand (G>A on the coding strand, the complement: NEB is on the minus strand). VCF-style: chr2-151664588-C-T. GRCh37 (hg19) VCF-style: chr2-152521102-C-T.
Other names: NM_001164508.2(NEB):c.5364G>A; p.Trp1788Ter; c.5364G>A, p.Trp1788Ter (NM_001164507.2, NM_001271208.2, NM_004543.5); short protein forms W1788*.
Identifiers: ClinVar variation 580393 (VCV000580393.12), dbSNP rs201636991, ClinGen allele CA1910381.
Genomic context (GRCh38, chr2:151,664,588, plus strand): 5'-TGCAGCCTTTATTGCAATGGCATCAGGCCTCAGGTCATATCCTTTCTTCTTTTCCTCTTC[C>T]CAGCCAGCTTTGTACAGTTTCTAAACAATAAAATAGAAAAACAACAGCATCTTGTTATTG-3'